The following is an entry in ClinVar:

ClinVar aggregate classification (germline): Pathogenic (1 of 4 stars; one submission).

Conditions:
Propionic acidemia (PROP). Also called: GLYCINEMIA, KETOTIC; HYPERGLYCINEMIA WITH KETOACIDOSIS AND LEUKOPENIA; KETOTIC HYPERGLYCINEMIA. Identifiers: Orphanet 35, MedGen C0268579, MONDO:0011628, OMIM 606054, HP:0003571.

Submission:

Labcorp Genetics (formerly Invitae), Labcorp
Classification: Pathogenic for Propionic acidemia. Last evaluated: 2023-10-09. Review status: criteria provided, single submitter. Criteria: Invitae Variant Classification Sherloc (09022015). Collection method: clinical testing. Allele origin: germline.
Comment: This sequence change affects a donor splice site in intron 20 of the PCCA gene. It is expected to disrupt RNA splicing. Variants that disrupt the donor or acceptor splice site typically lead to a loss of protein function (PMID: 16199547), and loss-of-function variants in PCCA are known to be pathogenic (PMID: 15464417). This variant is not present in population databases (gnomAD no frequency). Disruption of this splice site has been observed in individual(s) with propionic acidemia (PMID: 32619257). In at least one individual the data is consistent with being in trans (on the opposite chromosome) from a pathogenic variant. Algorithms developed to predict the effect of sequence changes on RNA splicing suggest that this variant may disrupt the consensus splice site. For these reasons, this variant has been classified as Pathogenic.

Literature cited by the submitters: PubMed 16199547; PubMed 15464417; PubMed 32619257.

NM_000282.4(PCCA):c.1845+2T>G

Gene: PCCA (propionyl-CoA carboxylase subunit alpha; plus strand). Cytogenetic location: 13q32.3.
Variant type: single nucleotide variant.
Coding change: c.1845+2T>G on transcript NM_000282.4 (MANE Select); the canonical splice donor site of the intron after coding-DNA position 1845, T replaced by G.
Molecular consequence: splice donor variant.
Genome position (GRCh38, 1-based): chr13:100,425,733, T>G. VCF-style: chr13-100425733-T-G. GRCh37 (hg19) VCF-style: chr13-101077987-T-G.
Other names: c.1845+2T>G (NM_001178004.2, NM_001352605.2, NM_001352609.2); c.1701+2T>G (NM_001352606.2); c.900+2T>G (NM_001352610.2, NM_001352611.2); c.756+2T>G (NM_001352612.2); c.1767+2T>G (NM_001127692.3, NM_001352607.2); c.1623+2T>G (NM_001352608.2).
Identifiers: ClinVar variation 2767272 (VCV002767272.3), dbSNP rs2548677635, ClinGen allele CA388696935.